The following is an entry in ClinVar:

NM_018082.6(POLR3B):c.470A>C (p.Lys157Thr)

Gene: POLR3B (RNA polymerase III subunit B; plus strand). Cytogenetic location: 12q23.3.
Variant type: single nucleotide variant.
Coding change: c.470A>C on transcript NM_018082.6 (MANE Select); coding-DNA position 470, A replaced by C.
Protein change: p.Lys157Thr; replaces lysine 157 with threonine.
Molecular consequence: missense variant.
Genome position (GRCh38, 1-based): chr12:106,376,424, A>C. VCF-style: chr12-106376424-A-C. GRCh37 (hg19) VCF-style: chr12-106770202-A-C.
Other names: c.296A>C, p.Lys99Thr (NM_001160708.2); short protein forms K157T, K99T.
Identifiers: ClinVar variation 4536356 (VCV004536356.1).
Genomic context (GRCh38, chr12:106,376,424, plus strand): 5'-CCATAATGCTACGTAGTTCAAACTGTGTTCTTACAGGAAAAACGCCAGCAGAATTTGCCA[A>C]ACTGAACGAATGTCCCTTAGATCCAGGTATGTGTGAAGTCTTGGATTTGTCCCACTTTCC-3'
Protein context (NP_060552.4, residues 147-167): LTGKTPAEFA[Lys157Thr]LNECPLDPGG

ClinVar aggregate classification (germline): Uncertain significance (1 of 4 stars; one submission).

gnomAD v4.1: 1 of 1,613,150 alleles (0.000062%); highest among the groups gnomAD compares: Admixed American, 0.0017%; no homozygotes.

Submission:

GeneDx
Classification: Uncertain significance. Last evaluated: 2025-05-29. Review status: criteria provided, single submitter. Criteria: GeneDx Variant Classification Process June 2021. Collection method: clinical testing. Allele origin: germline. Affected: yes.
Comment: Not observed at significant frequency in large population cohorts (gnomAD); In silico analysis supports that this missense variant has a deleterious effect on protein structure/function; Has not been previously published as pathogenic or benign to our knowledge